The following is an entry in ClinVar:

ClinVar aggregate classification (germline): Uncertain significance. Review status: criteria provided, multiple submitters, no conflicts (2 of 4 stars). 5 submissions from 5 submitters: Uncertain significance (4). 1 of the submissions does not count toward it. Last evaluated 2026-03-29.

Conditions:
Inborn genetic diseases. Identifiers: MedGen C0950123, MeSH D030342.
Glucose-6-phosphate transport defect (GSD1B). Also called: GSD Ib; Glycogen Storage Disease Type Ib. Identifiers: Orphanet 364, Orphanet 79259, MedGen C0268146, MONDO:0009288, OMIM 232220.
Congenital disorder of glycosylation, type IIw. Identifiers: MedGen C5561986, MONDO:0030437, OMIM 619525.
Phosphate transport defect (GSD1C). Also called: GSD Ic; GLYCOGEN STORAGE DISEASE Ic. Identifiers: Orphanet 364, Orphanet 79259, MedGen C0342749, OMIM 232240.

Allele frequency attached by ClinVar (database versions not stated): gnomAD 0.00002; gnomAD exomes 0.00002 and 0.00003; ExAC 0.00004; TOPMed 0.00004.

Submissions (5):

Ambry Genetics
Classification: Uncertain significance for Inborn genetic diseases. Last evaluated: 2026-03-29. Review status: criteria provided, single submitter. Criteria: Ambry Variant Classification Scheme 2023. Collection method: clinical testing. Allele origin: germline.
Comment: The p.M315T variant (also known as c.944T>C), located in coding exon 6 of the SLC37A4 gene, results from a T to C substitution at nucleotide position 944. The methionine at codon 315 is replaced by threonine, an amino acid with similar properties. This amino acid position is conserved. In addition, this alteration is predicted to be deleterious by in silico analysis. Based on the available evidence, the clinical significance of this variant remains unclear.

Labcorp Genetics (formerly Invitae), Labcorp
Classification: Uncertain significance for Glucose-6-phosphate transport defect. Last evaluated: 2025-10-21. Review status: criteria provided, single submitter. Criteria: Invitae Variant Classification Sherloc (09022015). Collection method: clinical testing. Allele origin: germline.
Comment: This sequence change replaces methionine, which is neutral and non-polar, with threonine, which is neutral and polar, at codon 315 of the SLC37A4 protein (p.Met315Thr). This variant is present in population databases (rs781834870, gnomAD 0.01%). This variant has not been reported in the literature in individuals affected with SLC37A4-related conditions. ClinVar contains an entry for this variant (Variation ID: 1015427). Invitae Evidence Modeling of protein sequence and biophysical properties (such as structural, functional, and spatial information, amino acid conservation, physicochemical variation, residue mobility, and thermodynamic stability) indicates that this missense variant is not expected to disrupt SLC37A4 protein function with a negative predictive value of 80%. In summary, the available evidence is currently insufficient to determine the role of this variant in disease. Therefore, it has been classified as a Variant of Uncertain Significance.

Blueprint Genetics
Classification: Uncertain significance. Last evaluated: 2024-09-03. Review status: criteria provided, single submitter. Criteria: ACMG Guidelines, 2015. Collection method: clinical testing. Allele origin: germline.

Fulgent Genetics
Classification: Uncertain significance for Glucose-6-phosphate transport defect; Phosphate transport defect; Congenital disorder of glycosylation, type IIw. Last evaluated: 2022-02-10. Review status: criteria provided, single submitter. Criteria: ACMG Guidelines, 2015. Collection method: clinical testing. Allele origin: unknown.

Natera, Inc.
Classification: Uncertain significance for Glycogen storage disease type Ib. Last evaluated: 2020-02-03. Review status: no assertion criteria provided. Collection method: clinical testing. Allele origin: germline. Not counted in ClinVar's aggregate classification.

NM_001164277.2(SLC37A4):c.944T>C (p.Met315Thr)

Gene: SLC37A4 (solute carrier family 37 member 4; minus strand). Cytogenetic location: 11q23.3.
Variant type: single nucleotide variant.
Coding change: c.944T>C on transcript NM_001164277.2 (MANE Select); coding-DNA position 944, T replaced by C.
Protein change: p.Met315Thr; replaces methionine 315 with threonine.
Molecular consequence: missense variant.
Genome position (GRCh38, 1-based): chr11:119,026,007, A>G on the plus strand (T>C on the coding strand, the complement: SLC37A4 is on the minus strand). VCF-style: chr11-119026007-A-G. GRCh37 (hg19) VCF-style: chr11-118896717-A-G.
Other names: c.944T>C, p.Met315Thr (NM_001164278.2, NM_001164280.2, NM_001467.6); c.725T>C, p.Met242Thr (NM_001164279.2); c.944T>C (NM_001467.5); short protein forms M242T, M315T.
Identifiers: ClinVar variation 1015427 (VCV001015427.11), dbSNP rs781834870, ClinGen allele CA6311683.